The following is an entry in ClinVar:

NM_000548.5(TSC2):c.1390A>G (p.Lys464Glu)

Gene: TSC2 (TSC complex subunit 2; plus strand). Cytogenetic location: 16p13.3.
Variant type: single nucleotide variant.
Coding change: c.1390A>G on transcript NM_000548.5 (MANE Select); coding-DNA position 1390, A replaced by G.
Protein change: p.Lys464Glu; replaces lysine 464 with glutamic acid.
Molecular consequence: missense variant.
Genome position (GRCh38, 1-based): chr16:2,063,000, A>G. VCF-style: chr16-2063000-A-G. GRCh37 (hg19) VCF-style: chr16-2113001-A-G.
Other names: c.1390A>G, p.Lys464Glu (NM_001077183.3, NM_001114382.3, NM_001363528.2 and 3 more transcripts); c.1279A>G, p.Lys427Glu (NM_001318827.2); c.1243A>G, p.Lys415Glu (NM_001318829.2); c.790A>G, p.Lys264Glu (NM_001318831.2); c.1423A>G, p.Lys475Glu (NM_001318832.2); short protein forms K464E, K264E, K415E, K427E, K475E.
Identifiers: ClinVar variation 467868 (VCV000467868.11), dbSNP rs1555501694, ClinGen allele CA394323760.

ClinVar aggregate classification (germline): Uncertain significance. Review status: criteria provided, multiple submitters, no conflicts (2 of 4 stars). 2 submissions from 2 submitters: Uncertain significance (2). Last evaluated 2024-06-07.

Conditions:
Tuberous sclerosis 2 (TSC2). Identifiers: Orphanet 805, MedGen C1860707, MONDO:0013199, OMIM 613254.
Isolated focal cortical dysplasia type II (FCORD2). Also called: CORTICAL DYSPLASIA OF TAYLOR; Focal cortical dysplasia type II. Identifiers: Orphanet 268994, MedGen C1846385, MONDO:0011818, OMIM 607341, HP:0032051.
Lymphangiomyomatosis (LAM). Also called: Lymphangioleiomyomatosis; Lymphangioleiomyomatosis, somatic. Identifiers: Orphanet 538, MedGen C0751674, MONDO:0011705, OMIM 606690.

Submissions (2):

Fulgent Genetics
Classification: Uncertain significance for Lymphangiomyomatosis; Isolated focal cortical dysplasia type II; Tuberous sclerosis 2. Last evaluated: 2024-06-07. Review status: criteria provided, single submitter. Criteria: ACMG Guidelines, 2015. Collection method: clinical testing. Allele origin: germline.

Labcorp Genetics (formerly Invitae), Labcorp
Classification: Uncertain significance for Tuberous sclerosis 2. Last evaluated: 2023-09-18. Review status: criteria provided, single submitter. Criteria: Invitae Variant Classification Sherloc (09022015). Collection method: clinical testing. Allele origin: germline.
Comment: In summary, the available evidence is currently insufficient to determine the role of this variant in disease. Therefore, it has been classified as a Variant of Uncertain Significance. Advanced modeling of protein sequence and biophysical properties (such as structural, functional, and spatial information, amino acid conservation, physicochemical variation, residue mobility, and thermodynamic stability) performed at Invitae indicates that this missense variant is not expected to disrupt TSC2 protein function. ClinVar contains an entry for this variant (Variation ID: 467868). This variant has not been reported in the literature in individuals affected with TSC2-related conditions. This variant is not present in population databases (gnomAD no frequency). This sequence change replaces lysine, which is basic and polar, with glutamic acid, which is acidic and polar, at codon 464 of the TSC2 protein (p.Lys464Glu).